The following is an entry in ClinVar:

NM_006019.4(TCIRG1):c.1753G>A (p.Val585Met)

Gene: TCIRG1 (T cell immune regulator 1, ATPase H+ transporting V0 subunit a3; plus strand). Cytogenetic location: 11q13.2.
Variant type: single nucleotide variant.
Coding change: c.1753G>A on transcript NM_006019.4 (MANE Select); coding-DNA position 1753, G replaced by A.
Protein change: p.Val585Met; replaces valine 585 with methionine.
Molecular consequence: missense variant.
Genome position (GRCh38, 1-based): chr11:68,049,160, G>A. VCF-style: chr11-68049160-G-A. GRCh37 (hg19) VCF-style: chr11-67816627-G-A.
Other names: c.859G>A, p.Val287Met (NM_001351059.2); c.1105G>A, p.Val369Met (NM_006053.4); c.1753G>A (NM_006019.3); short protein forms V369M, V585M, V287M.
Identifiers: ClinVar variation 1446282 (VCV001446282.7), dbSNP rs1017992764, ClinGen allele CA224209693.

ClinVar aggregate classification (germline): Uncertain significance. Review status: criteria provided, multiple submitters, no conflicts (2 of 4 stars). 2 submissions from 2 submitters: Uncertain significance (2). Last evaluated 2025-10-18.

Conditions:
Inborn genetic diseases. Identifiers: MedGen C0950123, MeSH D030342.

Allele frequency attached by ClinVar (database versions not stated): TOPMed 0.00002; gnomAD 0.00004.
gnomAD v4.1: 18 of 1,613,862 alleles (0.0011%); highest among the groups gnomAD compares: African/African-American, 0.012%; no homozygotes.

Submissions (2):

Labcorp Genetics (formerly Invitae), Labcorp
Classification: Uncertain significance. Last evaluated: 2025-10-18. Review status: criteria provided, single submitter. Criteria: Invitae Variant Classification Sherloc (09022015). Collection method: clinical testing. Allele origin: germline.
Comment: This sequence change replaces valine, which is neutral and non-polar, with methionine, which is neutral and non-polar, at codon 585 of the TCIRG1 protein (p.Val585Met). This variant is present in population databases (no rsID available, gnomAD 0.02%). This variant has not been reported in the literature in individuals affected with TCIRG1-related conditions. ClinVar contains an entry for this variant (Variation ID: 1446282). Invitae Evidence Modeling of protein sequence and biophysical properties (such as structural, functional, and spatial information, amino acid conservation, physicochemical variation, residue mobility, and thermodynamic stability) indicates that this missense variant is not expected to disrupt TCIRG1 protein function with a negative predictive value of 80%. In summary, the available evidence is currently insufficient to determine the role of this variant in disease. Therefore, it has been classified as a Variant of Uncertain Significance.

Ambry Genetics
Classification: Uncertain significance for Inborn genetic diseases. Last evaluated: 2024-07-31. Review status: criteria provided, single submitter. Criteria: Ambry Variant Classification Scheme 2023. Collection method: clinical testing. Allele origin: germline.